The following is an entry in ClinVar:

NM_002335.4(LRP5):c.898G>A (p.Glu300Lys)

Gene: LRP5 (LDL receptor related protein 5; plus strand). Cytogenetic location: 11q13.2.
Variant type: single nucleotide variant.
Coding change: c.898G>A on transcript NM_002335.4 (MANE Select); coding-DNA position 898, G replaced by A.
Protein change: p.Glu300Lys; replaces glutamic acid 300 with lysine.
Molecular consequence: missense variant. On other transcripts: 5 prime UTR variant (1).
Genome position (GRCh38, 1-based): chr11:68,365,585, G>A. VCF-style: chr11-68365585-G-A. GRCh37 (hg19) VCF-style: chr11-68133053-G-A.
Other names: c.-868G>A (NM_001291902.2); short protein forms E300K.
Identifiers: ClinVar variation 3008729 (VCV003008729.3), dbSNP rs1017369426, ClinGen allele CA224240583.

ClinVar aggregate classification (germline): Uncertain significance (1 of 4 stars; one submission).

Allele frequency attached by ClinVar (database versions not stated): gnomAD exomes below 0.00001; gnomAD 0.00001; TOPMed 0.00001.
gnomAD v4.1: 3 of 1,613,958 alleles (0.00019%); highest among the groups gnomAD compares: African/African-American, 0.0013%; no homozygotes.

Submission:

Labcorp Genetics (formerly Invitae), Labcorp
Classification: Uncertain significance. Last evaluated: 2023-12-03. Review status: criteria provided, single submitter. Criteria: Invitae Variant Classification Sherloc (09022015). Collection method: clinical testing. Allele origin: germline.
Comment: This sequence change replaces glutamic acid, which is acidic and polar, with lysine, which is basic and polar, at codon 300 of the LRP5 protein (p.Glu300Lys). This variant is not present in population databases (gnomAD no frequency). This variant has not been reported in the literature in individuals affected with LRP5-related conditions. Advanced modeling of protein sequence and biophysical properties (such as structural, functional, and spatial information, amino acid conservation, physicochemical variation, residue mobility, and thermodynamic stability) performed at Invitae indicates that this missense variant is not expected to disrupt LRP5 protein function with a negative predictive value of 95%. In summary, the available evidence is currently insufficient to determine the role of this variant in disease. Therefore, it has been classified as a Variant of Uncertain Significance.